The following is an entry in ClinVar:

ClinVar aggregate classification (germline): Uncertain significance (1 of 4 stars; one submission).

Conditions:
T-B+ severe combined immunodeficiency due to JAK3 deficiency. Also called: SCID, autosomal recessive, T-negative/B-positive type; SCID, T CELL-NEGATIVE, B CELL-POSITIVE, NK CELL-NEGATIVE. Identifiers: Orphanet 35078, MedGen C1833275, MONDO:0010938, OMIM 600802.

Allele frequency attached by ClinVar (database versions not stated): gnomAD exomes below 0.00001; gnomAD 0.00001; TOPMed 0.00001.
gnomAD v4.1: 3 of 1,587,614 alleles (0.00019%); highest among the groups gnomAD compares: Non-Finnish European, 0.00026%; no homozygotes.

Submission:

Labcorp Genetics (formerly Invitae), Labcorp
Classification: Uncertain significance for T-B+ severe combined immunodeficiency due to JAK3 deficiency. Last evaluated: 2022-02-14. Review status: criteria provided, single submitter. Criteria: Invitae Variant Classification Sherloc (09022015). Collection method: clinical testing. Allele origin: germline.
Comment: This sequence change replaces phenylalanine, which is neutral and non-polar, with valine, which is neutral and non-polar, at codon 207 of the JAK3 protein (p.Phe207Val). This variant is not present in population databases (gnomAD no frequency). This variant has not been reported in the literature in individuals affected with JAK3-related conditions. Algorithms developed to predict the effect of missense changes on protein structure and function are either unavailable or do not agree on the potential impact of this missense change (SIFT: "Tolerated"; PolyPhen-2: "Probably Damaging"; Align-GVGD: "Class C0"). In summary, the available evidence is currently insufficient to determine the role of this variant in disease. Therefore, it has been classified as a Variant of Uncertain Significance.

NM_000215.4(JAK3):c.619T>G (p.Phe207Val)

Gene: JAK3 (Janus kinase 3; minus strand). Cytogenetic location: 19p13.11.
Variant type: single nucleotide variant.
Coding change: c.619T>G on transcript NM_000215.4 (MANE Select); coding-DNA position 619, T replaced by G.
Protein change: p.Phe207Val; replaces phenylalanine 207 with valine.
Molecular consequence: missense variant.
Genome position (GRCh38, 1-based): chr19:17,842,558, A>C on the plus strand (T>G on the coding strand, the complement: JAK3 is on the minus strand). VCF-style: chr19-17842558-A-C. GRCh37 (hg19) VCF-style: chr19-17953367-A-C.
Other names: short protein forms F207V.
Identifiers: ClinVar variation 1967515 (VCV001967515.2), dbSNP rs747707407, ClinGen allele CA9302115.
Genomic context (GRCh38, chr19:17,842,558, plus strand): 5'-AGGCGGCCACGCGGCGCAGGGCTCTGCGCACCGTCCTCCGAATACGCCTCCGCGTCACGA[A>C]GCTCAGGCCCTGGATCAGGTCGCGCAGGCTTGGGGGTAGGCAGGCCTTGTAGCTGCAGGG-3'
Protein context (NP_000206.2, residues 197-217): SLRDLIQGLS[Phe207Val]VTRRRIRRTV